The following is an entry in ClinVar:

ClinVar aggregate classification (germline): Uncertain significance (1 of 4 stars; one submission).

Conditions:
Cardiovascular phenotype. Identifiers: MedGen CN230736.

Allele frequency attached by ClinVar (database versions not stated): gnomAD exomes below 0.00001.

Submission:

Ambry Genetics
Classification: Uncertain significance for Cardiovascular phenotype. Last evaluated: 2023-05-09. Review status: criteria provided, single submitter. Criteria: Ambry Variant Classification Scheme 2023. Collection method: clinical testing. Allele origin: germline.
Comment: The p.D31N variant (also known as c.91G>A), located in coding exon 1 of the FLNC gene, results from a G to A substitution at nucleotide position 91. The aspartic acid at codon 31 is replaced by asparagine, an amino acid with highly similar properties. This amino acid position is highly conserved in available vertebrate species. In addition, this alteration is predicted to be tolerated by in silico analysis. Since supporting evidence is limited at this time, the clinical significance of this alteration remains unclear.

NM_001458.5(FLNC):c.91G>A (p.Asp31Asn)

Gene: FLNC (filamin C; plus strand). Cytogenetic location: 7q32.1.
Variant type: single nucleotide variant.
Coding change: c.91G>A on transcript NM_001458.5 (MANE Select); coding-DNA position 91, G replaced by A.
Protein change: p.Asp31Asn; replaces aspartic acid 31 with asparagine.
Molecular consequence: missense variant.
Genome position (GRCh38, 1-based): chr7:128,830,728, G>A. VCF-style: chr7-128830728-G-A. GRCh37 (hg19) VCF-style: chr7-128470782-G-A.
Other names: c.91G>A, p.Asp31Asn (NM_001127487.2); short protein forms D31N.
Identifiers: ClinVar variation 2565520 (VCV002565520.2), dbSNP rs2536605019, ClinGen allele CA369215680.